The following is an entry in ClinVar:

ClinVar aggregate classification (germline): Uncertain significance. Review status: criteria provided, multiple submitters, no conflicts (2 of 4 stars). 2 submissions from 2 submitters: Uncertain significance (2). Last evaluated 2025-11-13.

Conditions:
Hereditary cancer-predisposing syndrome. Also called: Tumor predisposition; Hereditary neoplastic syndrome; Neoplastic Syndromes, Hereditary; Hereditary Cancer Syndrome. Identifiers: Orphanet 140162, MedGen C0027672, MeSH D009386, MONDO:0015356.

Allele frequency attached by ClinVar (database versions not stated): gnomAD exomes 0.00001.
gnomAD v4.1: 4 of 1,614,216 alleles (0.00025%); highest among the groups gnomAD compares: East Asian, 0.0067%; no homozygotes.

Submissions (2):

Ambry Genetics
Classification: Uncertain significance for Hereditary cancer-predisposing syndrome. Last evaluated: 2025-11-13. Review status: criteria provided, single submitter. Criteria: Ambry Variant Classification Scheme 2023. Collection method: clinical testing. Allele origin: germline.
Comment: The p.N217S variant (also known as c.650A>G), located in coding exon 7 of the POLE gene, results from an A to G substitution at nucleotide position 650. The asparagine at codon 217 is replaced by serine, an amino acid with highly similar properties. This amino acid position is conserved. In addition, this alteration is predicted to be tolerated by in silico analysis. Based on the available evidence, the clinical significance of this variant remains unclear.

Labcorp Genetics (formerly Invitae), Labcorp
Classification: Uncertain significance. Last evaluated: 2022-08-04. Review status: criteria provided, single submitter. Criteria: Invitae Variant Classification Sherloc (09022015). Collection method: clinical testing. Allele origin: germline.
Comment: In summary, the available evidence is currently insufficient to determine the role of this variant in disease. Therefore, it has been classified as a Variant of Uncertain Significance. Algorithms developed to predict the effect of missense changes on protein structure and function are either unavailable or do not agree on the potential impact of this missense change (SIFT: "Tolerated"; PolyPhen-2: "Possibly Damaging"; Align-GVGD: "Class C0"). This variant is not present in population databases (gnomAD no frequency). This sequence change replaces asparagine, which is neutral and polar, with serine, which is neutral and polar, at codon 217 of the POLE protein (p.Asn217Ser). ClinVar contains an entry for this variant (Variation ID: 1011459). This variant has not been reported in the literature in individuals affected with POLE-related conditions.

NM_006231.4(POLE):c.650A>G (p.Asn217Ser)

Gene: POLE (DNA polymerase epsilon, catalytic subunit; minus strand). Cytogenetic location: 12q24.33.
Variant type: single nucleotide variant.
Coding change: c.650A>G on transcript NM_006231.4 (MANE Select); coding-DNA position 650, A replaced by G.
Protein change: p.Asn217Ser; replaces asparagine 217 with serine.
Molecular consequence: missense variant.
Genome position (GRCh38, 1-based): chr12:132,677,648, T>C on the plus strand (A>G on the coding strand, the complement: POLE is on the minus strand). VCF-style: chr12-132677648-T-C. GRCh37 (hg19) VCF-style: chr12-133254234-T-C.
Other names: c.650A>G (NM_006231.2); short protein forms N217S.
Identifiers: ClinVar variation 1011459 (VCV001011459.9), dbSNP rs2043086016, ClinGen allele CA387365064.